The following is an entry in ClinVar:

ClinVar aggregate classification (germline): Uncertain significance (1 of 4 stars; one submission).

Conditions:
Asphyxiating thoracic dystrophy 5 (SRTD5). Also called: SHORT-RIB THORACIC DYSPLASIA 5 WITH OR WITHOUT POLYDACTYLY; SHORT-RIB THORACIC DYSPLASIA 5 WITHOUT POLYDACTYLY. Identifiers: Orphanet 474, MedGen C3280598, MONDO:0013717, OMIM 614376.
Senior-Loken syndrome 8 (SLSN8). Identifiers: Orphanet 3156, MedGen C4225376, MONDO:0014579, OMIM 616307.

Allele frequency attached by ClinVar (database versions not stated): gnomAD exomes below 0.00001.
gnomAD v4.1: 1 of 1,608,664 alleles (0.000062%); highest among the groups gnomAD compares: Non-Finnish European, 0.000085%; no homozygotes.

Submission:

Labcorp Genetics (formerly Invitae), Labcorp
Classification: Uncertain significance for Senior-Loken syndrome 8; Asphyxiating thoracic dystrophy 5. Last evaluated: 2021-11-27. Review status: criteria provided, single submitter. Criteria: Invitae Variant Classification Sherloc (09022015). Collection method: clinical testing. Allele origin: germline.
Comment: This variant has not been reported in the literature in individuals affected with WDR19-related conditions. In summary, the available evidence is currently insufficient to determine the role of this variant in disease. Therefore, it has been classified as a Variant of Uncertain Significance. Algorithms developed to predict the effect of missense changes on protein structure and function (SIFT, PolyPhen-2, Align-GVGD) all suggest that this variant is likely to be disruptive. This variant is not present in population databases (gnomAD no frequency). This sequence change replaces proline, which is neutral and non-polar, with arginine, which is basic and polar, at codon 746 of the WDR19 protein (p.Pro746Arg).

NM_025132.4(WDR19):c.2237C>G (p.Pro746Arg)

Gene: WDR19 (WD repeat domain 19; plus strand). Cytogenetic location: 4p14.
Variant type: single nucleotide variant.
Coding change: c.2237C>G on transcript NM_025132.4 (MANE Select); coding-DNA position 2237, C replaced by G.
Protein change: p.Pro746Arg; replaces proline 746 with arginine.
Molecular consequence: missense variant.
Genome position (GRCh38, 1-based): chr4:39,232,256, C>G. VCF-style: chr4-39232256-C-G. GRCh37 (hg19) VCF-style: chr4-39233876-C-G.
Other names: c.1757C>G, p.Pro586Arg (NM_001317924.2); short protein forms P746R, P586R.
Identifiers: ClinVar variation 1351333 (VCV001351333.6), dbSNP rs2109368525, ClinGen allele CA356635022.